The following is an entry in ClinVar:

ClinVar aggregate classification (germline): Benign. Review status: criteria provided, multiple submitters, no conflicts (2 of 4 stars). 2 submissions from 2 submitters: Benign (2). Last evaluated 2019-12-31.

Conditions:
Long QT syndrome (LQTS). Identifiers: MedGen C0023976, MeSH D008133, MONDO:0002442. Disease mechanism: loss of function. Inheritance: Various modes of inheritance.

Allele frequency attached by ClinVar (database versions not stated): 1000 Genomes Project 0.02915; 1000 Genomes Project 30x 0.03310; gnomAD 0.03457 and 0.03610.
gnomAD v4.1: 5,198 of 151,350 alleles (3.4%); highest among the groups gnomAD compares: African/African-American, 7%; 137 homozygotes.

Submissions (2):

Labcorp Genetics (formerly Invitae), Labcorp
Classification: Benign for Long QT syndrome. Last evaluated: 2019-12-31. Review status: criteria provided, single submitter. Criteria: Invitae Variant Classification Sherloc (09022015). Collection method: clinical testing. Allele origin: germline.

GeneDx
Classification: Benign. Last evaluated: 2018-06-14. Review status: criteria provided, single submitter. Criteria: GeneDx Variant Classification (06012015). Collection method: clinical testing. Allele origin: germline. Affected: yes.
Comment: This variant is considered likely benign or benign based on one or more of the following criteria: it is a conservative change, it occurs at a poorly conserved position in the protein, it is predicted to be benign by multiple in silico algorithms, and/or has population frequency not consistent with disease.

NM_000719.7(CACNA1C):c.5574-176C>T

Genes: CACNA1C (calcium voltage-gated channel subunit alpha1 C; plus strand), CACNA1C-AS1 (CACNA1C antisense RNA 1; minus strand). Cytogenetic location: 12p13.33.
Variant type: single nucleotide variant.
Coding change: c.5574-176C>T on transcript NM_000719.7 (MANE Select); 176 bases into the intron before coding-DNA position 5574, C replaced by T.
Molecular consequence: intron variant.
Genome position (GRCh38, 1-based): chr12:2,685,560, C>T. VCF-style: chr12-2685560-C-T. GRCh37 (hg19) VCF-style: chr12-2794726-C-T.
Other names: c.5679-176C>T (NM_001167624.3, NM_001129830.3); c.5574-176C>T (NM_001167623.2, NM_001129840.2, NM_001129842.2 and 2 more transcripts); c.5754-176C>T (NM_001167625.2); c.5823-176C>T (NM_199460.4); c.5718-176C>T (NM_001129827.2); c.5634-176C>T (NM_001129832.2); c.5658-176C>T (NM_001129831.2); c.5631-176C>T (NM_001129833.2, NM_001129834.2, NM_001129835.2); and 6 more.
Identifiers: ClinVar variation 674335 (VCV000674335.5), dbSNP rs141720874, ClinGen allele CA231615276.